The following is an entry in ClinVar:

NM_000400.4(ERCC2):c.1340T>C (p.Val447Ala)

Gene: ERCC2 (ERCC excision repair 2, TFIIH core complex helicase subunit; minus strand). Cytogenetic location: 19q13.32.
Variant type: single nucleotide variant.
Coding change: c.1340T>C on transcript NM_000400.4 (MANE Select); coding-DNA position 1340, T replaced by C.
Protein change: p.Val447Ala; replaces valine 447 with alanine.
Molecular consequence: missense variant.
Genome position (GRCh38, 1-based): chr19:45,357,511, A>G on the plus strand (T>C on the coding strand, the complement: ERCC2 is on the minus strand). VCF-style: chr19-45357511-A-G. GRCh37 (hg19) VCF-style: chr19-45860769-A-G.
Other names: short protein forms V447A.
Identifiers: ClinVar variation 1770362 (VCV001770362.2), dbSNP rs2514013354, ClinGen allele CA406367565.

ClinVar aggregate classification (germline): Uncertain significance (1 of 4 stars; one submission).

Conditions:
Inborn genetic diseases. Identifiers: MedGen C0950123, MeSH D030342.

Submission:

Ambry Genetics
Classification: Uncertain significance for Inborn genetic diseases. Last evaluated: 2021-09-01. Review status: criteria provided, single submitter. Criteria: Ambry Variant Classification Scheme 2023. Collection method: clinical testing. Allele origin: germline.
Comment: The p.V447A variant (also known as c.1340T>C), located in coding exon 14 of the ERCC2 gene, results from a T to C substitution at nucleotide position 1340. The valine at codon 447 is replaced by alanine, an amino acid with similar properties. This amino acid position is conserved. In addition, this alteration is predicted to be deleterious by in silico analysis. Since supporting evidence is limited at this time, the clinical significance of this alteration remains unclear.